The following is an entry in ClinVar:

ClinVar aggregate classification (germline): Uncertain significance (1 of 4 stars; one submission).

Conditions:
TTC21B-related disorder. Also called: TTC21B-related disorders; TTC21B-related condition.

Submission:

PreventionGenetics, part of Exact Sciences
Classification: Uncertain significance for TTC21B-related condition. Last evaluated: 2026-07-07. Review status: criteria provided, single submitter. Criteria: ACMG Guidelines, 2015. Collection method: clinical testing. Allele origin: germline.
Comment: The TTC21B c.2547T>A variant is predicted to result in the amino acid substitution p.Asp849Glu. To our knowledge, this variant has not been reported in the literature or in a large population database (gnomAD), indicating this variant is rare. At this time, the clinical significance of this variant is uncertain due to the absence of conclusive functional and genetic evidence.

NM_024753.5(TTC21B):c.2547T>A (p.Asp849Glu)

Gene: TTC21B (tetratricopeptide repeat domain 21B; minus strand). Cytogenetic location: 2q24.3.
Variant type: single nucleotide variant.
Coding change: c.2547T>A on transcript NM_024753.5 (MANE Select); coding-DNA position 2547, T replaced by A.
Protein change: p.Asp849Glu; replaces aspartic acid 849 with glutamic acid.
Molecular consequence: missense variant.
Genome position (GRCh38, 1-based): chr2:165,907,699, A>T on the plus strand (T>A on the coding strand, the complement: TTC21B is on the minus strand). VCF-style: chr2-165907699-A-T. GRCh37 (hg19) VCF-style: chr2-166764209-A-T.
Other names: short protein forms D849E.
Identifiers: ClinVar variation 4990879 (VCV004990879.1).